The following is an entry in ClinVar:

NM_001142966.3(GREB1L):c.4715T>C (p.Met1572Thr)

Gene: GREB1L (GREB1 like retinoic acid receptor coactivator; plus strand). Cytogenetic location: 18q11.2.
Variant type: single nucleotide variant.
Coding change: c.4715T>C on transcript NM_001142966.3 (MANE Select); coding-DNA position 4715, T replaced by C.
Protein change: p.Met1572Thr; replaces methionine 1572 with threonine.
Molecular consequence: missense variant.
Genome position (GRCh38, 1-based): chr18:21,508,571, T>C. VCF-style: chr18-21508571-T-C. GRCh37 (hg19) VCF-style: chr18-19088532-T-C.
Other names: c.4715T>C (NM_001142966.1); c.4844T>C, p.Met1615Thr (NM_001410867.1); c.4388T>C, p.Met1463Thr (NM_001410868.1); short protein forms M1615T, M1572T, M1463T.
Identifiers: ClinVar variation 3714973 (VCV003714973.3).

ClinVar aggregate classification (germline): Uncertain significance. Review status: criteria provided, multiple submitters, no conflicts (2 of 4 stars). 2 submissions from 2 submitters: Uncertain significance (2). Last evaluated 2025-09-12.

Conditions:
GREB1L-related disorder. Also called: GREB1L-related condition.

Submissions (2):

PreventionGenetics, part of Exact Sciences
Classification: Uncertain significance for GREB1L-related condition. Last evaluated: 2025-09-12. Review status: criteria provided, single submitter. Criteria: ACMG Guidelines, 2015. Collection method: clinical testing. Allele origin: germline.
Comment: The GREB1L c.4715T>C variant is predicted to result in the amino acid substitution p.Met1572Thr. To our knowledge, this variant has not been reported in the literature. This variant is reported in 0.0040% of alleles in individuals of Latino descent in gnomAD. At this time, the clinical significance of this variant is uncertain due to the absence of conclusive functional and genetic evidence.

Labcorp Genetics (formerly Invitae), Labcorp
Classification: Uncertain significance. Last evaluated: 2024-03-30. Review status: criteria provided, single submitter. Criteria: Invitae Variant Classification Sherloc (09022015). Collection method: clinical testing. Allele origin: germline.
Comment: This sequence change replaces methionine, which is neutral and non-polar, with threonine, which is neutral and polar, at codon 1572 of the GREB1L protein (p.Met1572Thr). This variant is present in population databases (no rsID available, gnomAD 0.004%). This variant has not been reported in the literature in individuals affected with GREB1L-related conditions. Algorithms developed to predict the effect of missense changes on protein structure and function output the following: SIFT: "Not Available"; PolyPhen-2: "Benign"; Align-GVGD: "Not Available". The threonine amino acid residue is found in multiple mammalian species, which suggests that this missense change does not adversely affect protein function. In summary, the available evidence is currently insufficient to determine the role of this variant in disease. Therefore, it has been classified as a Variant of Uncertain Significance.